The following is an entry in ClinVar:

NM_152564.5(VPS13B):c.7897C>G (p.Leu2633Val)

Gene: VPS13B (vacuolar protein sorting 13 homolog B; plus strand). Cytogenetic location: 8q22.2.
Variant type: single nucleotide variant.
Coding change: c.7897C>G on transcript NM_152564.5 (MANE Select); coding-DNA position 7897, C replaced by G.
Protein change: p.Leu2633Val; replaces leucine 2633 with valine.
Molecular consequence: missense variant.
Genome position (GRCh38, 1-based): chr8:99,784,432, C>G. VCF-style: chr8-99784432-C-G. GRCh37 (hg19) VCF-style: chr8-100796660-C-G.
Other names: c.7972C>G, p.Leu2658Val (NM_017890.5); short protein forms L2658V, L2633V.
Identifiers: ClinVar variation 5000083 (VCV005000083.1).

ClinVar aggregate classification (germline): Uncertain significance (1 of 4 stars; one submission).

Conditions:
VPS13B-related disorder. Also called: VPS13B-related condition.

Submission:

PreventionGenetics, part of Exact Sciences
Classification: Uncertain significance for VPS13B-related condition. Last evaluated: 2025-06-23. Review status: criteria provided, single submitter. Criteria: ACMG Guidelines, 2015. Collection method: clinical testing. Allele origin: germline.
Comment: The VPS13B c.7897C>G variant is predicted to result in the amino acid substitution p.Leu2633Val. To our knowledge, this variant has not been reported in the literature or in a large population database (gnomAD), indicating this variant is rare. At this time, the clinical significance of this variant is uncertain due to the absence of conclusive functional and genetic evidence.